The following is an entry in ClinVar:

NM_000038.6(APC):c.6664C>T (p.Pro2222Ser)

Gene: APC (APC regulator of Wnt signaling pathway; plus strand). Cytogenetic location: 5q22.2.
Variant type: single nucleotide variant.
Coding change: c.6664C>T on transcript NM_000038.6 (MANE Select); coding-DNA position 6664, C replaced by T.
Protein change: p.Pro2222Ser; replaces proline 2222 with serine.
Molecular consequence: missense variant.
Genome position (GRCh38, 1-based): chr5:112,842,258, C>T. VCF-style: chr5-112842258-C-T. GRCh37 (hg19) VCF-style: chr5-112177955-C-T.
Other names: c.6664C>T, p.Pro2222Ser (NM_001127510.3, NM_001354895.2); c.6610C>T, p.Pro2204Ser (NM_001127511.3); c.6718C>T, p.Pro2240Ser (NM_001354896.2); c.6694C>T, p.Pro2232Ser (NM_001354897.2); c.6589C>T, p.Pro2197Ser (NM_001354898.2); c.6580C>T, p.Pro2194Ser (NM_001354899.2); c.6541C>T, p.Pro2181Ser (NM_001354900.2); c.6487C>T, p.Pro2163Ser (NM_001354901.2); and 5 more; short protein forms P1939S, P2062S, P2121S, P2194S, P2240S, P2163S, P2181S, P2096S.
Identifiers: ClinVar variation 839061 (VCV000839061.20), dbSNP rs1766270621, ClinGen allele CA16035910.

ClinVar aggregate classification (germline): Uncertain significance. Review status: criteria provided, multiple submitters, no conflicts (2 of 4 stars). 5 submissions from 5 submitters: Uncertain significance (5). Last evaluated 2025-05-19.

Conditions:
Hereditary cancer-predisposing syndrome. Also called: Neoplastic Syndromes, Hereditary; Tumor predisposition; Hereditary neoplastic syndrome; Hereditary Cancer Syndrome. Identifiers: Orphanet 140162, MedGen C0027672, MeSH D009386, MONDO:0015356.
Familial adenomatous polyposis 1 (FAP1). Also called: FAMILIAL ADENOMATOUS POLYPOSIS 1, ATTENUATED; POLYPOSIS, ADENOMATOUS INTESTINAL. Identifiers: MedGen C2713442, MONDO:0021056, OMIM 175100. Disease mechanism: loss of function.
Classic or attenuated familial adenomatous polyposis. Identifiers: MedGen CN372698, MONDO:0021057.

Submissions (5):

Ambry Genetics
Classification: Uncertain significance for Hereditary cancer-predisposing syndrome. Last evaluated: 2025-05-19. Review status: criteria provided, single submitter. Criteria: Ambry Variant Classification Scheme 2023. Collection method: clinical testing. Allele origin: germline.
Comment: The p.P2222S variant (also known as c.6664C>T), located in coding exon 15 of the APC gene, results from a C to T substitution at nucleotide position 6664. The proline at codon 2222 is replaced by serine, an amino acid with similar properties. This amino acid position is highly conserved in available vertebrate species. In addition, in silico predictors for this gene do not accurately predict pathogenicity. Since supporting evidence is limited at this time, the clinical significance of this alteration remains unclear.

Quest Diagnostics Nichols Institute San Juan Capistrano
Classification: Uncertain significance. Last evaluated: 2025-01-29. Review status: criteria provided, single submitter. Criteria: Quest Diagnostics criteria. Collection method: clinical testing. Allele origin: unknown.
Comment: The APC c.6664C>T (p.Pro2222Ser) variant has not been reported in individuals with APC-related conditions in the published literature. It also has not been reported in large, multi-ethnic general populations (Genome Aggregation Database). Analysis of this variant using bioinformatics tools for the prediction of the effect of amino acid changes on protein structure and function yielded predictions that this variant is damaging. Based on the available information, we are unable to determine the clinical significance of this variant.

Labcorp Genetics (formerly Invitae), Labcorp
Classification: Uncertain significance for Familial adenomatous polyposis 1. Last evaluated: 2025-01-22. Review status: criteria provided, single submitter. Criteria: Invitae Variant Classification Sherloc (09022015). Collection method: clinical testing. Allele origin: germline.
Comment: This sequence change replaces proline, which is neutral and non-polar, with serine, which is neutral and polar, at codon 2222 of the APC protein (p.Pro2222Ser). This variant is not present in population databases (gnomAD no frequency). This variant has not been reported in the literature in individuals affected with APC-related conditions. ClinVar contains an entry for this variant (Variation ID: 839061). Invitae Evidence Modeling of protein sequence and biophysical properties (such as structural, functional, and spatial information, amino acid conservation, physicochemical variation, residue mobility, and thermodynamic stability) indicates that this missense variant is not expected to disrupt APC protein function with a negative predictive value of 95%. In summary, the available evidence is currently insufficient to determine the role of this variant in disease. Therefore, it has been classified as a Variant of Uncertain Significance.

Color Diagnostics, LLC DBA Color Health
Classification: Uncertain significance for Hereditary cancer-predisposing syndrome. Last evaluated: 2023-07-31. Review status: criteria provided, single submitter. Criteria: ACMG Guidelines, 2015. Collection method: clinical testing. Allele origin: germline.
Comment: This missense variant replaces proline with serine at codon 2222 of the APC protein. Computational prediction is inconclusive regarding the impact of this variant on protein structure and function (internally defined REVEL score threshold 0.5 < inconclusive < 0.7, PMID: 27666373). To our knowledge, functional studies have not been reported for this variant. This variant has not been reported in individuals affected with APC-related disorders in the literature. This variant has not been identified in the general population by the Genome Aggregation Database (gnomAD). The available evidence is insufficient to determine the role of this variant in disease conclusively. Therefore, this variant is classified as a Variant of Uncertain Significance.

All of Us Research Program, National Institutes of Health
Classification: Uncertain significance for Classic or attenuated familial adenomatous polyposis. Last evaluated: 2023-05-15. Review status: criteria provided, single submitter. Criteria: ACMG Guidelines, 2015. Collection method: clinical testing. Allele origin: germline. Inheritance: Autosomal dominant inheritance. Observed: 1 variant allele, 1 heterozygote.
Comment: This missense variant replaces proline with serine at codon 2222 of the APC protein. Computational prediction tools and conservation analyses suggest that this variant may have deleterious impact on the protein function. Computational splicing tools suggest that this variant may not impact RNA splicing. To our knowledge, functional assays have not been performed for this variant nor has this variant been reported in individuals affected with hereditary cancer in the literature. This variant has not been identified in the general population by the Genome Aggregation Database (gnomAD). Available evidence is insufficient to determine the role of this variant in disease conclusively. Therefore, this variant is classified as a Variant of Uncertain Significance.

This study involves interpretation of variants in research participants for the purpose of population health screening. Participant phenotype was not available at the time of variant classification. Additional details can be found in publication PMID: 35346344, PMCID: PMC8962531